The following is an entry in ClinVar:

NM_018907.4(PCDHA4):c.2268G>A (p.Pro756=)

Genes: PCDHA1 (protocadherin alpha 1; plus strand), PCDHA2 (protocadherin alpha 2; plus strand), PCDHA3 (protocadherin alpha 3; plus strand), PCDHA4 (protocadherin alpha 4; plus strand), PCDHA@ (protocadherin alpha cluster, complex locus; plus strand). Cytogenetic location: 5q31.3.
Variant type: single nucleotide variant.
Coding change: c.2268G>A on transcript NM_018907.4 (MANE Select); coding-DNA position 2268, G replaced by A.
Protein change: p.Pro756=; no amino-acid change (proline 756 retained).
Molecular consequence: synonymous variant. On other transcripts: intron variant (4).
Genome position (GRCh38, 1-based): chr5:140,809,455, G>A. VCF-style: chr5-140809455-G-A. GRCh37 (hg19) VCF-style: chr5-140189040-G-A.
Other names: c.2268G>A, p.Pro756= (NM_031500.3); c.2394+20771G>A (NM_018900.4); c.1602+21563G>A (NM_031411.3); c.2388+12103G>A (NM_018905.3); c.2394+5864G>A (NM_018906.3).
Identifiers: ClinVar variation 2655756 (VCV002655756.24), dbSNP rs146943849, ClinGen allele CA3447435.

ClinVar aggregate classification (germline): Likely benign (1 of 4 stars; one submission).

Allele frequency attached by ClinVar (database versions not stated): ESP Exome Variant Server 0.00146; TOPMed 0.00153; 1000 Genomes Project 30x 0.00156; gnomAD exomes 0.00231; ExAC 0.00273; gnomAD 0.00303; 1000 Genomes Project 0.00140.
gnomAD v4.1: 3,828 of 1,614,228 alleles (0.24%); highest among the groups gnomAD compares: Middle Eastern, 1%; 18 homozygotes.

Submission:

CeGaT Center for Human Genetics Tuebingen
Classification: Likely benign. Last evaluated: 2026-03-01. Review status: criteria provided, single submitter. Criteria: CeGaT Center For Human Genetics Tuebingen Variant Classification Criteria Version 2. Collection method: clinical testing. Allele origin: germline. Affected: yes. Observed: 3 variant alleles.
Comment: PCDHA4: BP4, BP7